The following is an entry in ClinVar:

NM_001134407.3(GRIN2A):c.281G>C (p.Arg94Pro)

Gene: GRIN2A (glutamate ionotropic receptor NMDA type subunit 2A; minus strand). Cytogenetic location: 16p13.2.
Variant type: single nucleotide variant.
Coding change: c.281G>C on transcript NM_001134407.3 (MANE Select); coding-DNA position 281, G replaced by C.
Protein change: p.Arg94Pro; replaces arginine 94 with proline.
Molecular consequence: missense variant.
Genome position (GRCh38, 1-based): chr16:10,180,131, C>G on the plus strand (G>C on the coding strand, the complement: GRIN2A is on the minus strand). VCF-style: chr16-10180131-C-G. GRCh37 (hg19) VCF-style: chr16-10273988-C-G.
Other names: c.281G>C, p.Arg94Pro (NM_000833.5, NM_001134408.2); short protein forms R94P.
Identifiers: ClinVar variation 1975672 (VCV001975672.5), dbSNP rs1179489169, ClinGen allele CA394715359.

ClinVar aggregate classification (germline): Uncertain significance (1 of 4 stars; one submission).

Conditions:
Landau-Kleffner syndrome (FESD). Also called: EPILEPSY, FOCAL, WITH SPEECH DISORDER AND WITH OR WITHOUT MENTAL RETARDATION; APHASIA, ACQUIRED, WITH EPILEPSY. Identifiers: Orphanet 1945, Orphanet 725, Orphanet 98818, MedGen C0282512, MONDO:0009509, OMIM 245570.

Allele frequency attached by ClinVar (database versions not stated): TOPMed 0.00001.
gnomAD v4.1: 10 of 1,614,214 alleles (0.00062%); highest among the groups gnomAD compares: Non-Finnish European, 0.00085%; no homozygotes.

Submission:

Labcorp Genetics (formerly Invitae), Labcorp
Classification: Uncertain significance for Landau-Kleffner syndrome. Last evaluated: 2022-07-01. Review status: criteria provided, single submitter. Criteria: Invitae Variant Classification Sherloc (09022015). Collection method: clinical testing. Allele origin: germline.
Comment: In summary, the available evidence is currently insufficient to determine the role of this variant in disease. Therefore, it has been classified as a Variant of Uncertain Significance. Advanced modeling of protein sequence and biophysical properties (such as structural, functional, and spatial information, amino acid conservation, physicochemical variation, residue mobility, and thermodynamic stability) performed at Invitae indicates that this missense variant is not expected to disrupt GRIN2A protein function. This variant has not been reported in the literature in individuals affected with GRIN2A-related conditions. This variant is present in population databases (no rsID available, gnomAD 0.0009%). This sequence change replaces arginine, which is basic and polar, with proline, which is neutral and non-polar, at codon 94 of the GRIN2A protein (p.Arg94Pro).